The following is an entry in ClinVar:

ClinVar aggregate classification (germline): Uncertain significance. Review status: criteria provided, multiple submitters, no conflicts (2 of 4 stars). 2 submissions from 2 submitters: Uncertain significance (2). Last evaluated 2024-04-10.

Conditions:
Hereditary cancer-predisposing syndrome. Also called: Hereditary neoplastic syndrome; Neoplastic Syndromes, Hereditary; Hereditary Cancer Syndrome; Tumor predisposition. Identifiers: Orphanet 140162, MedGen C0027672, MeSH D009386, MONDO:0015356.

Submissions (2):

Labcorp Genetics (formerly Invitae), Labcorp
Classification: Uncertain significance. Last evaluated: 2024-04-10. Review status: criteria provided, single submitter. Criteria: Invitae Variant Classification Sherloc (09022015). Collection method: clinical testing. Allele origin: germline.
Comment: This sequence change replaces aspartic acid, which is acidic and polar, with asparagine, which is neutral and polar, at codon 138 of the POLE protein (p.Asp138Asn). This variant is not present in population databases (gnomAD no frequency). This variant has not been reported in the literature in individuals affected with POLE-related conditions. ClinVar contains an entry for this variant (Variation ID: 1718989). Advanced modeling of protein sequence and biophysical properties (such as structural, functional, and spatial information, amino acid conservation, physicochemical variation, residue mobility, and thermodynamic stability) performed at Invitae indicates that this missense variant is not expected to disrupt POLE protein function with a negative predictive value of 80%. In summary, the available evidence is currently insufficient to determine the role of this variant in disease. Therefore, it has been classified as a Variant of Uncertain Significance.

Ambry Genetics
Classification: Uncertain significance for Hereditary cancer-predisposing syndrome. Last evaluated: 2023-08-11. Review status: criteria provided, single submitter. Criteria: Ambry Variant Classification Scheme 2023. Collection method: clinical testing. Allele origin: germline.
Comment: The p.D138N variant (also known as c.412G>A), located in coding exon 5 of the POLE gene, results from a G to A substitution at nucleotide position 412. The aspartic acid at codon 138 is replaced by asparagine, an amino acid with highly similar properties. This amino acid position is conserved. In addition, this alteration is predicted to be tolerated by in silico analysis. Since supporting evidence is limited at this time, the clinical significance of this alteration remains unclear.

NM_006231.4(POLE):c.412G>A (p.Asp138Asn)

Gene: POLE (DNA polymerase epsilon, catalytic subunit; minus strand). Cytogenetic location: 12q24.33.
Variant type: single nucleotide variant.
Coding change: c.412G>A on transcript NM_006231.4 (MANE Select); coding-DNA position 412, G replaced by A.
Protein change: p.Asp138Asn; replaces aspartic acid 138 with asparagine.
Molecular consequence: missense variant.
Genome position (GRCh38, 1-based): chr12:132,679,965, C>T on the plus strand (G>A on the coding strand, the complement: POLE is on the minus strand). VCF-style: chr12-132679965-C-T. GRCh37 (hg19) VCF-style: chr12-133256551-C-T.
Other names: c.412G>A (NM_006231.2); short protein forms D138N.
Identifiers: ClinVar variation 1718989 (VCV001718989.7), dbSNP rs1593085858, ClinGen allele CA387368020.